The following is an entry in ClinVar:

NM_001164508.2(NEB):c.6296A>T (p.Asp2099Val)

Gene: NEB (nebulin; minus strand). Cytogenetic location: 2q23.3.
Variant type: single nucleotide variant.
Coding change: c.6296A>T on transcript NM_001164508.2 (MANE Select); coding-DNA position 6296, A replaced by T.
Protein change: p.Asp2099Val; replaces aspartic acid 2099 with valine.
Molecular consequence: missense variant.
Genome position (GRCh38, 1-based): chr2:151,656,352, T>A on the plus strand (A>T on the coding strand, the complement: NEB is on the minus strand). VCF-style: chr2-151656352-T-A. GRCh37 (hg19) VCF-style: chr2-152512866-T-A.
Other names: c.6296A>T, p.Asp2099Val (NM_001164507.2, NM_001271208.2, NM_004543.5); short protein forms D2099V.
Identifiers: ClinVar variation 1699640 (VCV001699640.2), dbSNP rs2154149108, ClinGen allele CA348799854.

ClinVar aggregate classification (germline): Uncertain significance (1 of 4 stars; one submission).

Submission:

GeneDx
Classification: Uncertain significance. Last evaluated: 2022-01-31. Review status: criteria provided, single submitter. Criteria: GeneDx Variant Classification Process June 2021. Collection method: clinical testing. Allele origin: germline. Affected: yes.
Comment: Not observed at significant frequency in large population cohorts (gnomAD); In silico analysis supports that this missense variant has a deleterious effect on protein structure/function; Has not been previously published as pathogenic or benign to our knowledge